The following is an entry in ClinVar:

ClinVar aggregate classification (germline): Benign/Likely benign. Review status: criteria provided, multiple submitters, no conflicts (2 of 4 stars). 3 submissions from 3 submitters: Benign (1); Likely benign (2). Last evaluated 2025-12-01.

Allele frequency attached by ClinVar (database versions not stated): gnomAD exomes 0.00012; gnomAD 0.00015; TOPMed 0.00020; ExAC 0.00021; ESP Exome Variant Server 0.00023.
gnomAD v4.1: 209 of 1,614,104 alleles (0.013%); highest among the groups gnomAD compares: Admixed American, 0.037%; no homozygotes.

Submissions (3):

Labcorp Genetics (formerly Invitae), Labcorp
Classification: Benign. Last evaluated: 2025-12-01. Review status: criteria provided, single submitter. Criteria: Invitae Variant Classification Sherloc (09022015). Collection method: clinical testing. Allele origin: germline.

Blueprint Genetics
Classification: Likely benign. Last evaluated: 2024-05-10. Review status: criteria provided, single submitter. Criteria: ACMG Guidelines, 2015. Collection method: clinical testing. Allele origin: germline.

CeGaT Center for Human Genetics Tuebingen
Classification: Likely benign. Last evaluated: 2022-06-01. Review status: criteria provided, single submitter. Criteria: CeGaT Center For Human Genetics Tuebingen Variant Classification Criteria Version 2. Collection method: clinical testing. Allele origin: germline. Affected: yes. Observed: 2 variant alleles.
Comment: MAST1: BP4, BP7

NM_014975.3(MAST1):c.1548C>T (p.Phe516=)

Gene: MAST1 (microtubule associated serine/threonine kinase 1; plus strand). Cytogenetic location: 19p13.13.
Variant type: single nucleotide variant.
Coding change: c.1548C>T on transcript NM_014975.3 (MANE Select); coding-DNA position 1548, C replaced by T.
Protein change: p.Phe516=; no amino-acid change (phenylalanine 516 retained).
Molecular consequence: synonymous variant.
Genome position (GRCh38, 1-based): chr19:12,865,088, C>T. VCF-style: chr19-12865088-C-T. GRCh37 (hg19) VCF-style: chr19-12975902-C-T.
Identifiers: ClinVar variation 2140210 (VCV002140210.29), dbSNP rs149802603, ClinGen allele CA9232925.